The following is an entry in ClinVar:

NM_000214.3(JAG1):c.868G>C (p.Gly290Arg)

Gene: JAG1 (jagged canonical Notch ligand 1; minus strand). Cytogenetic location: 20p12.2.
Variant type: single nucleotide variant.
Coding change: c.868G>C on transcript NM_000214.3 (MANE Select); coding-DNA position 868, G replaced by C.
Protein change: p.Gly290Arg; replaces glycine 290 with arginine.
Molecular consequence: missense variant.
Genome position (GRCh38, 1-based): chr20:10,652,486, C>G on the plus strand (G>C on the coding strand, the complement: JAG1 is on the minus strand). VCF-style: chr20-10652486-C-G. GRCh37 (hg19) VCF-style: chr20-10633134-C-G.
Other names: short protein forms G290R.
Identifiers: ClinVar variation 3573157 (VCV003573157.2).

Conditions:
Arteriohepatic dysplasia. Also called: Alagille Syndrome. Identifiers: Orphanet 52, MedGen C0085280, MeSH D016738, MONDO:0007318.

Submission:

Gilbert/Spinner Lab, Children's Hospital of Philadelphia
No classification provided (evidence only). Condition: Alagille syndrome. Review status: no classification provided. Collection method: research. Allele origin: not applicable. Functional consequence: functionally_abnormal.
ClinVar note: "not provided" was previously submitted as the classification for the variant. However, the classification appeared to be based only on an observation of functional data so it was converted to no classification on 2025-07-30.